The following is an entry in ClinVar:

NM_000283.4(PDE6B):c.25del (p.Arg9fs)

Gene: PDE6B (phosphodiesterase 6B; plus strand). Cytogenetic location: 4p16.3.
Variant type: Deletion.
Coding change: c.25del on transcript NM_000283.4 (MANE Select); coding-DNA position 25, one base deleted (C; older notation c.25delC).
Protein change: p.Arg9fs; shifts the reading frame from arginine 9.
Molecular consequence: frameshift variant.
Genome position (GRCh38, 1-based): chr4:625,651, C deleted; the last of 3 consecutive C bases (chr4:625,649-625,651); deleting any one gives the same sequence. VCF-style (leftmost placement, unchanged base first): chr4-625648-GC-G. GRCh37 (hg19) VCF-style: chr4-619437-GC-G.
Other names: c.25del, p.Arg9fs (NM_001145291.2); short protein forms R9fs.
Identifiers: ClinVar variation 1069615 (VCV001069615.8), dbSNP rs2109112564, ClinGen allele CA2499217325.

ClinVar aggregate classification (germline): Pathogenic (1 of 4 stars; one submission).

Submission:

Labcorp Genetics (formerly Invitae), Labcorp
Classification: Pathogenic. Last evaluated: 2023-08-10. Review status: criteria provided, single submitter. Criteria: Invitae Variant Classification Sherloc (09022015). Collection method: clinical testing. Allele origin: germline.
Comment: This sequence change creates a premature translational stop signal (p.Arg9Glyfs*19) in the PDE6B gene. It is expected to result in an absent or disrupted protein product. Loss-of-function variants in PDE6B are known to be pathogenic (PMID: 8394174, 8595886, 22334370). This variant is not present in population databases (gnomAD no frequency). This variant has not been reported in the literature in individuals affected with PDE6B-related conditions. ClinVar contains an entry for this variant (Variation ID: 1069615). For these reasons, this variant has been classified as Pathogenic.

Literature cited by the submitters: PubMed 8394174; PubMed 8595886; PubMed 22334370.